The following is an entry in ClinVar:

ClinVar aggregate classification (germline): Pathogenic/Likely pathogenic. Review status: criteria provided, multiple submitters, no conflicts (2 of 4 stars). 5 submissions from 5 submitters: Pathogenic (2); Likely pathogenic (2). 1 of the submissions does not count toward it. Last evaluated 2024-06-06.

Conditions:
SCN4A-related disorder. Also called: SCN4A-related disorders.
Potassium-aggravated myotonia. Also called: MYOTONIA CONGENITA, ACETAZOLAMIDE-RESPONSIVE; MYOTONIA CONGENITA, ATYPICAL; SODIUM CHANNEL MUSCLE DISEASE; Myotonia congenita, atypical, acetazolamide-responsive. Identifiers: Orphanet 612, Orphanet 99734, Orphanet 99735, Orphanet 99736, MedGen C2931826, MONDO:0018959, OMIM 608390.
Hypokalemic periodic paralysis, type 2 (HOKPP2). Identifiers: Orphanet 681, MedGen C2750061, MONDO:0013234, OMIM 613345.
Paramyotonia congenita of Von Eulenburg. Also called: PARALYSIS PERIODICA PARAMYOTONICA; Paramyotonia Congenita; Eulenburg disease; Myotonia congenita intermittens; Von Eulenburg paramyotonia congenita. Identifiers: Orphanet 684, MedGen C0221055, MONDO:0008195, OMIM 168300. Disease mechanism: loss of function.
Hyperkalemic periodic paralysis. Also called: Familial hyperkalemic periodic paralysis; Gamstorp disease. Identifiers: Orphanet 682, MedGen C0238357, MONDO:0008224, OMIM 170500, HP:0007215.
Congenital myasthenic syndrome 16. Identifiers: Orphanet 590, MedGen C3280112, MONDO:0013620, OMIM 614198.
Congenital myopathy 22A, classic (CMYO22A). Identifiers: MedGen C5830453, MONDO:0957247, OMIM 620351.
Congenital myopathy 22B, severe fetal (CMYO22B). Identifiers: MedGen C5830501, MONDO:0957265, OMIM 620369.

Allele frequency attached by ClinVar (database versions not stated): gnomAD 0.00001; TOPMed 0.00001; gnomAD exomes 0.00001.

Submissions (5):

Fulgent Genetics
Classification: Likely pathogenic for Paramyotonia congenita of Von Eulenburg; Hyperkalemic periodic paralysis; Potassium-aggravated myotonia; Hypokalemic periodic paralysis, type 2; Congenital myasthenic syndrome 16; Congenital myopathy 22A, classic; Congenital myopathy 22B, severe fetal. Last evaluated: 2024-06-06. Review status: criteria provided, single submitter. Criteria: ACMG Guidelines, 2015. Collection method: clinical testing. Allele origin: germline.

GeneDx
Classification: Pathogenic. Last evaluated: 2023-04-19. Review status: criteria provided, single submitter. Criteria: GeneDx Variant Classification Process June 2021. Collection method: clinical testing. Allele origin: germline. Affected: yes.
Comment: Reported previously without a second variant in patients with muscle pain, muscle stiffness, myotonia, syncope, and non-sustained tachycardia (PMID: 21752396, 26036855); Published functional studies indicate that this variant alters channel dynamics, including voltage dependence and channel inactivation, resulting in a mix of loss of function and gain of function defects (PMID: 30824560); Not observed at significant frequency in large population cohorts (gnomAD); In silico analysis supports that this missense variant has a deleterious effect on protein structure/function; This variant is associated with the following publications: (PMID: 34671263, 26036855, 30824560, 21752396)

Blueprint Genetics
Classification: Pathogenic for SCN4A-related disorders. Last evaluated: 2019-11-22. Review status: criteria provided, single submitter. Criteria: ACMG Guidelines, 2015. Collection method: clinical testing. Allele origin: germline. Affected: yes. Observed: 2 variant alleles.

Juno Genomics, Hangzhou Juno Genomics, Inc
Classification: Likely pathogenic for Congenital myopathy 22A, classic; Congenital myopathy 22B, severe fetal; Hyperkalemic periodic paralysis; Hypokalemic periodic paralysis, type 2; Congenital myasthenic syndrome 16; Potassium-aggravated myotonia; Paramyotonia congenita of Von Eulenburg. Review status: criteria provided, single submitter. Criteria: ACMG Guidelines, 2015. Collection method: clinical testing. Allele origin: germline. Affected: yes.
Comment: Absent from controls (or at extremely low frequency if recessive) in Genome Aggregation Database, Exome Sequencing Project, 1000 Genomes Project, or Exome Aggregation Consortium.;Well-established in vitro or in vivo functional studies supportive of a damaging effect on the gene or gene product.;Co-segregation with disease in multiple affected family members in a gene definitively known to cause the disease.;For recessive disorders, detected in trans with a pathogenic variant.

Gharavi Laboratory, Columbia University
Classification: Uncertain significance. Last evaluated: 2018-09-16. Review status: no assertion criteria provided. Criteria: ACMG Guidelines, 2015. Collection method: research. Allele origin: germline. Affected: no. Not counted in ClinVar's aggregate classification.

NM_000334.4(SCN4A):c.4379G>A (p.Arg1460Gln)

Genes: GH-LCR (growth hormone locus control region; plus strand), SCN4A (sodium voltage-gated channel alpha subunit 4; minus strand). Cytogenetic location: 17q23.3.
Variant type: single nucleotide variant.
Coding change: c.4379G>A on transcript NM_000334.4 (MANE Select); coding-DNA position 4379, G replaced by A.
Protein change: p.Arg1460Gln; replaces arginine 1460 with glutamine.
Molecular consequence: missense variant.
Genome position (GRCh38, 1-based): chr17:63,941,903, C>T on the plus strand (G>A on the coding strand, the complement: SCN4A is on the minus strand). VCF-style: chr17-63941903-C-T. GRCh37 (hg19) VCF-style: chr17-62019263-C-T.
Other names: short protein forms R1460Q.
Identifiers: ClinVar variation 633660 (VCV000633660.5), dbSNP rs1210934866, ClinGen allele CA400616132.